The following is an entry in ClinVar:

ClinVar aggregate classification (germline): Uncertain significance (1 of 4 stars; one submission).

Conditions:
Cardiovascular phenotype. Identifiers: MedGen CN230736.

Submission:

Ambry Genetics
Classification: Uncertain significance for Cardiovascular phenotype. Last evaluated: 2026-02-13. Review status: criteria provided, single submitter. Criteria: Ambry Variant Classification Scheme 2023. Collection method: clinical testing. Allele origin: germline.
Comment: The p.V1672E variant (also known as c.5015T>A), located in coding exon 37 of the RYR2 gene, results from a T to A substitution at nucleotide position 5015. The valine at codon 1672 is replaced by glutamic acid, an amino acid with dissimilar properties. This amino acid position is conserved. In addition, this alteration is predicted to be deleterious by in silico analysis. Based on the available evidence, the clinical significance of this variant remains unclear.

NM_001035.3(RYR2):c.5015T>A (p.Val1672Glu)

Gene: RYR2 (ryanodine receptor 2; plus strand). Cytogenetic location: 1q43.
Variant type: single nucleotide variant.
Coding change: c.5015T>A on transcript NM_001035.3 (MANE Select); coding-DNA position 5015, T replaced by A.
Protein change: p.Val1672Glu; replaces valine 1672 with glutamic acid.
Molecular consequence: missense variant.
Genome position (GRCh38, 1-based): chr1:237,614,143, T>A. VCF-style: chr1-237614143-T-A. GRCh37 (hg19) VCF-style: chr1-237777443-T-A.
Other names: short protein forms V1672E.
Identifiers: ClinVar variation 4825544 (VCV004825544.1).